The following is an entry in ClinVar:

ClinVar aggregate classification (germline): Uncertain significance (1 of 4 stars; one submission).

Conditions:
Emery-Dreifuss muscular dystrophy 5, autosomal dominant (EDMD5). Also called: EMERY-DREIFUSS MUSCULAR DYSTROPHY 5. Identifiers: Orphanet 261, MedGen C2751805, MONDO:0013072, OMIM 612999.

Allele frequency attached by ClinVar (database versions not stated): gnomAD below 0.00001 and 0.00001; gnomAD exomes 0.00002; ExAC 0.00003.
gnomAD v4.1: 3 of 1,614,000 alleles (0.00019%); highest among the groups gnomAD compares: South Asian, 0.0022%; no homozygotes.

Submission:

Labcorp Genetics (formerly Invitae), Labcorp
Classification: Uncertain significance for Emery-Dreifuss muscular dystrophy 5, autosomal dominant. Last evaluated: 2018-08-20. Review status: criteria provided, single submitter. Criteria: Invitae Variant Classification Sherloc (09022015). Collection method: clinical testing. Allele origin: germline.
Comment: This variant has not been reported in the literature in individuals with SYNE2-related disease. This variant is present in population databases (rs767622970, ExAC 0.01%). This sequence change replaces glycine with arginine at codon 6677 of the SYNE2 protein (p.Gly6677Arg). The glycine residue is weakly conserved and there is a moderate physicochemical difference between glycine and arginine. Algorithms developed to predict the effect of missense changes on protein structure and function (SIFT, PolyPhen-2, Align-GVGD) all suggest that this variant is likely to be tolerated, but these predictions have not been confirmed by published functional studies and their clinical significance is uncertain. In summary, the available evidence is currently insufficient to determine the role of this variant in disease. Therefore, it has been classified as a Variant of Uncertain Significance.

NM_182914.3(SYNE2):c.20029G>A (p.Gly6677Arg)

Gene: SYNE2 (spectrin repeat containing nuclear envelope protein 2; plus strand). Cytogenetic location: 14q23.2.
Variant type: single nucleotide variant.
Coding change: c.20029G>A on transcript NM_182914.3 (MANE Select); coding-DNA position 20029, G replaced by A.
Protein change: p.Gly6677Arg; replaces glycine 6677 with arginine.
Molecular consequence: missense variant.
Genome position (GRCh38, 1-based): chr14:64,220,605, G>A. VCF-style: chr14-64220605-G-A. GRCh37 (hg19) VCF-style: chr14-64687323-G-A.
Other names: c.19960G>A, p.Gly6654Arg (NM_015180.6); c.553G>A, p.Gly185Arg (NM_182910.2); c.931G>A, p.Gly311Arg (NM_182913.4); short protein forms G6654R, G6677R, G185R, G311R.
Identifiers: ClinVar variation 665373 (VCV000665373.8), dbSNP rs767622970, ClinGen allele CA7224662.